The following is an entry in ClinVar:

ClinVar aggregate classification (germline): Uncertain significance (1 of 4 stars; one submission).

Conditions:
Emery-Dreifuss muscular dystrophy 4, autosomal dominant (EDMD4). Also called: EMERY-DREIFUSS MUSCULAR DYSTROPHY 4 WITH VARIABLE FEATURES. Identifiers: Orphanet 261, MedGen C2751807, MONDO:0013071, OMIM 612998.

gnomAD v4.1: 1 of 1,613,946 alleles (0.000062%); highest among the groups gnomAD compares: East Asian, 0.0022%; no homozygotes.

Submission:

Victorian Clinical Genetics Services, Murdoch Childrens Research Institute
Classification: Uncertain significance for Emery-Dreifuss muscular dystrophy 4, autosomal dominant. Last evaluated: 2023-07-16. Review status: criteria provided, single submitter. Criteria: ACMG Guidelines, 2015. Collection method: clinical testing. Allele origin: germline. Inheritance: Autosomal dominant inheritance. Affected: yes.
Comment: Based on the classification scheme VCGS_Germline_v1.3.4, this variant is classified as VUS-3B. Following criteria are met: 0102 - Loss of function is a known mechanism of disease in this gene and is associated with arthrogryposis multiplex congenita 3, myogenic type (MIM# 618484), Emery-Dreifuss muscular dystrophy 4 (MIM# 612998) and Spinocerebellar ataxia 8 (MIM#610743). (I) 0108 - This gene is associated with both recessive and dominant disease. Heterozygous variants result in Emery-Dreifuss muscular dystrophy 4 (MIM#612998), whereas biallelic variants can cause either myogenic type arthrogryposis multiplex congenita 3 (MIM#618484) or spinocerebellar ataxia 8 (MIM#610743). (I) 0200 - Variant is predicted to result in a missense amino acid change from tryptophan to arginine. (I) 0251 - This variant is heterozygous. (I) 0302 - Variant is present in gnomAD (v2) <0.001 for a dominant condition (1 heterozygote, 0 homozygotes). (SP) 0501 - Missense variant consistently predicted to be damaging by multiple in silico tools or highly conserved with a major amino acid change. (SP) 0600 - Variant is located in the annotated spectrin repeats domain (PMID: 32889669). (I) 0705 - No comparable missense variants have previous evidence for pathogenicity. (I) 0807 - This variant has no previous evidence of pathogenicity. (I) 0905 - No published segregation evidence has been identified for this variant. (I) 1007 - No published functional evidence has been identified for this variant. (I) 1208 - Inheritance information for this variant is not currently available in this individual. (I) Legend: (SP) - Supporting pathogenic, (I) - Information, (SB) - Supporting benign

Literature cited by the submitters: PubMed 32889669.

NM_182961.4(SYNE1):c.13075T>C (p.Trp4359Arg)

Gene: SYNE1 (spectrin repeat containing nuclear envelope protein 1; minus strand). Cytogenetic location: 6q25.2.
Variant type: single nucleotide variant.
Coding change: c.13075T>C on transcript NM_182961.4 (MANE Select); coding-DNA position 13075, T replaced by C.
Protein change: p.Trp4359Arg; replaces tryptophan 4359 with arginine.
Molecular consequence: missense variant.
Genome position (GRCh38, 1-based): chr6:152,331,610, A>G on the plus strand (T>C on the coding strand, the complement: SYNE1 is on the minus strand). VCF-style: chr6-152331610-A-G. GRCh37 (hg19) VCF-style: chr6-152652745-A-G.
Other names: c.12862T>C, p.Trp4288Arg (NM_033071.5); short protein forms W4288R, W4359R.
Identifiers: ClinVar variation 3376799 (VCV003376799.1).